The following is an entry in ClinVar:

ClinVar aggregate classification (germline): Benign/Likely benign. Review status: criteria provided, multiple submitters, no conflicts (2 of 4 stars). 4 submissions from 4 submitters: Benign (1); Likely benign (3). Last evaluated 2026-02-26.

Conditions:
LGI1-related disorder. Also called: LGI1-related condition.
Autosomal dominant epilepsy with auditory features. Identifiers: Orphanet 101046, MedGen C1838062, MONDO:0010898.
Inborn genetic diseases. Identifiers: MedGen C0950123, MeSH D030342.

Allele frequency attached by ClinVar (database versions not stated): TOPMed 0.00005; gnomAD exomes 0.00008 and 0.00016; ExAC 0.00010; gnomAD 0.00003.
gnomAD v4.1: 49 of 1,614,036 alleles (0.003%); highest among the groups gnomAD compares: Admixed American, 0.077%; no homozygotes.

Submissions (4):

PreventionGenetics, part of Exact Sciences
Classification: Likely benign for LGI1-related condition. Last evaluated: 2026-02-26. Review status: criteria provided, single submitter. Criteria: ACMG Guidelines, 2015. Collection method: clinical testing. Allele origin: germline.
Comment: This variant is classified as likely benign based on ACMG/AMP sequence variant interpretation guidelines (Richards et al. 2015 PMID: 25741868, with internal and published modifications).

Labcorp Genetics (formerly Invitae), Labcorp
Classification: Likely benign for Autosomal dominant epilepsy with auditory features. Last evaluated: 2025-10-11. Review status: criteria provided, single submitter. Criteria: Invitae Variant Classification Sherloc (09022015). Collection method: clinical testing. Allele origin: germline.

GeneDx
Classification: Benign. Last evaluated: 2019-01-24. Review status: criteria provided, single submitter. Criteria: GeneDx Variant Classification Process June 2021. Collection method: clinical testing. Allele origin: germline. Affected: yes.

Ambry Genetics
Classification: Likely benign for Inborn genetic diseases. Last evaluated: 2018-07-15. Review status: criteria provided, single submitter. Criteria: Ambry Variant Classification Scheme 2023. Collection method: clinical testing. Allele origin: germline.

NM_005097.4(LGI1):c.1471A>G (p.Ile491Val)

Gene: LGI1 (leucine rich glioma inactivated 1; plus strand). Cytogenetic location: 10q23.33.
Variant type: single nucleotide variant.
Coding change: c.1471A>G on transcript NM_005097.4 (MANE Select); coding-DNA position 1471, A replaced by G.
Protein change: p.Ile491Val; replaces isoleucine 491 with valine.
Molecular consequence: missense variant. On other transcripts: non-coding transcript variant (1), intron variant (1).
Genome position (GRCh38, 1-based): chr10:93,797,600, A>G. VCF-style: chr10-93797600-A-G. GRCh37 (hg19) VCF-style: chr10-95557357-A-G.
Other names: c.1471A>G (NM_005097.3); c.1327A>G, p.Ile443Val (NM_001308276.2); c.839-149A>G (NM_001308275.2); short protein forms I491V, I443V.
Identifiers: ClinVar variation 567103 (VCV000567103.18), dbSNP rs756891254, ClinGen allele CA5611273.